The following is an entry in ClinVar:

NM_024529.5(CDC73):c.1078C>A (p.Pro360Thr)

Gene: CDC73 (cell division cycle 73; plus strand). Cytogenetic location: 1q31.2.
Variant type: single nucleotide variant.
Coding change: c.1078C>A on transcript NM_024529.5 (MANE Select); coding-DNA position 1078, C replaced by A.
Protein change: p.Pro360Thr; replaces proline 360 with threonine.
Molecular consequence: missense variant.
Genome position (GRCh38, 1-based): chr1:193,212,401, C>A. VCF-style: chr1-193212401-C-A. GRCh37 (hg19) VCF-style: chr1-193181531-C-A.
Other names: short protein forms P360T.
Identifiers: ClinVar variation 3227852 (VCV003227852.1), dbSNP rs770734388, ClinGen allele CA344077526.

ClinVar aggregate classification (germline): Uncertain significance (1 of 4 stars; one submission).

Conditions:
Hereditary cancer-predisposing syndrome. Also called: Neoplastic Syndromes, Hereditary; Tumor predisposition; Hereditary neoplastic syndrome; Hereditary Cancer Syndrome. Identifiers: Orphanet 140162, MedGen C0027672, MeSH D009386, MONDO:0015356.

Submission:

Ambry Genetics
Classification: Uncertain significance for Hereditary cancer-predisposing syndrome. Last evaluated: 2023-10-20. Review status: criteria provided, single submitter. Criteria: Ambry Variant Classification Scheme 2023. Collection method: clinical testing. Allele origin: germline.
Comment: The p.P360T variant (also known as c.1078C>A), located in coding exon 13 of the CDC73 gene, results from a C to A substitution at nucleotide position 1078. The proline at codon 360 is replaced by threonine, an amino acid with highly similar properties. This amino acid position is conserved. In addition, this alteration is predicted to be deleterious by in silico analysis. Since supporting evidence is limited at this time, the clinical significance of this alteration remains unclear.